The following is an entry in ClinVar:

ClinVar aggregate classification (germline): Conflicting classifications of pathogenicity. Review status: criteria provided, conflicting classifications (1 of 4 stars). 4 submissions from 4 submitters: Uncertain significance (2); Likely benign (2). Last evaluated 2026-07-01.

Conditions:
Inborn genetic diseases. Identifiers: MedGen C0950123, MeSH D030342.
EFTUD2-related disorder. Also called: EFTUD2-related condition.

Allele frequency attached by ClinVar (database versions not stated): ExAC 0.00001; gnomAD 0.00001; gnomAD exomes 0.00001 and 0.00004; TOPMed 0.00004; ESP Exome Variant Server 0.00008.
gnomAD v4.1: 54 of 1,613,742 alleles (0.0033%); highest among the groups gnomAD compares: Non-Finnish European, 0.0043%; no homozygotes.

Submissions (4):

PreventionGenetics, part of Exact Sciences
Classification: Uncertain significance for EFTUD2-related condition. Last evaluated: 2026-07-01. Review status: criteria provided, single submitter. Criteria: ACMG Guidelines, 2015. Collection method: clinical testing. Allele origin: germline.
Comment: The EFTUD2 c.290T>C variant is predicted to result in the amino acid substitution p.Val97Ala. To our knowledge, this variant has not been reported in the literature. This variant is reported in 0.0026% of alleles in individuals of European (Non-Finnish) descent in gnomAD. At this time, the clinical significance of this variant is uncertain due to the absence of conclusive functional and genetic evidence.

Labcorp Genetics (formerly Invitae), Labcorp
Classification: Uncertain significance. Last evaluated: 2024-11-03. Review status: criteria provided, single submitter. Criteria: Invitae Variant Classification Sherloc (09022015). Collection method: clinical testing. Allele origin: germline.
Comment: This sequence change replaces valine, which is neutral and non-polar, with alanine, which is neutral and non-polar, at codon 97 of the EFTUD2 protein (p.Val97Ala). This variant is present in population databases (rs141916105, gnomAD 0.002%). This variant has not been reported in the literature in individuals affected with EFTUD2-related conditions. ClinVar contains an entry for this variant (Variation ID: 1189532). An algorithm developed to predict the effect of missense changes on protein structure and function (PolyPhen-2) suggests that this variant is likely to be tolerated. In summary, the available evidence is currently insufficient to determine the role of this variant in disease. Therefore, it has been classified as a Variant of Uncertain Significance.

Ambry Genetics
Classification: Likely benign for Inborn genetic diseases. Last evaluated: 2022-08-17. Review status: criteria provided, single submitter. Criteria: Ambry Variant Classification Scheme 2023. Collection method: clinical testing. Allele origin: germline.

GeneDx
Classification: Likely benign. Last evaluated: 2019-09-03. Review status: criteria provided, single submitter. Criteria: GeneDx Variant Classification Process June 2021. Collection method: clinical testing. Allele origin: germline. Affected: yes.
Comment: In silico analysis, which includes protein predictors and evolutionary conservation, supports a deleterious effect; Has not been previously published as pathogenic or benign to our knowledge

NM_004247.4(EFTUD2):c.290T>C (p.Val97Ala)

Gene: EFTUD2 (elongation factor Tu GTP binding domain containing 2; minus strand). Cytogenetic location: 17q21.31.
Variant type: single nucleotide variant.
Coding change: c.290T>C on transcript NM_004247.4 (MANE Select); coding-DNA position 290, T replaced by C.
Protein change: p.Val97Ala; replaces valine 97 with alanine.
Molecular consequence: missense variant.
Genome position (GRCh38, 1-based): chr17:44,885,316, A>G on the plus strand (T>C on the coding strand, the complement: EFTUD2 is on the minus strand). VCF-style: chr17-44885316-A-G. GRCh37 (hg19) VCF-style: chr17-42962684-A-G.
Other names: c.185T>C, p.Val62Ala (NM_001142605.2); c.290T>C, p.Val97Ala (NM_001258353.2, NM_001258354.2); short protein forms V62A, V97A.
Identifiers: ClinVar variation 1189532 (VCV001189532.8), dbSNP rs141916105, ClinGen allele CA8608146.
Genomic context (GRCh38, chr17:44,885,316, plus strand): 5'-TCCATCTCATACACCGTAACAGGTAATGTCTGCTCCATCAGAGTGAATTTCTTGGTTTTC[A>G]CTGGCTTAATAATGGGTTCTAGAAGAAAAAAAAAAGGTAGTGATGTGTAGGTGGGCATAA-3'
Protein context (NP_004238.3, residues 87-107): QPLTEPIIKP[Val97Ala]KTKKFTLMEQ